The following is an entry in ClinVar:

ClinVar aggregate classification (germline): Pathogenic (1 of 4 stars; one submission).

Conditions:
3-methylcrotonyl-CoA carboxylase 1 deficiency (MCC1D). Also called: MCCD TYPE 1; METHYLCROTONYLGLYCINURIA TYPE I; MCC 1 deficiency; 3 Alpha methylcrotonylglycinuria 1. Identifiers: Orphanet 6, MedGen CN028786, MONDO:0008861, OMIM 210200.

Submission:

Labcorp Genetics (formerly Invitae), Labcorp
Classification: Pathogenic for 3-methylcrotonyl-CoA carboxylase 1 deficiency. Last evaluated: 2021-08-26. Review status: criteria provided, single submitter. Criteria: Invitae Variant Classification Sherloc (09022015). Collection method: clinical testing. Allele origin: germline.
Comment: For these reasons, this variant has been classified as Pathogenic. Algorithms developed to predict the effect of sequence changes on RNA splicing suggest that this variant may create or strengthen a splice site. This variant has not been reported in the literature in individuals affected with MCCC1-related conditions. This variant is not present in population databases (ExAC no frequency). This sequence change creates a premature translational stop signal (p.Gln422*) in the MCCC1 gene. It is expected to result in an absent or disrupted protein product. Loss-of-function variants in MCCC1 are known to be pathogenic (PMID: 11181649, 15359379, 22642865).

Literature cited by the submitters: PubMed 11181649; PubMed 15359379; PubMed 22642865.

NM_020166.5(MCCC1):c.1264C>T (p.Gln422Ter)

Gene: MCCC1 (methylcrotonyl-CoA carboxylase subunit 1; minus strand). Cytogenetic location: 3q27.1.
Variant type: single nucleotide variant.
Coding change: c.1264C>T on transcript NM_020166.5 (MANE Select); coding-DNA position 1264, C replaced by T.
Protein change: p.Gln422Ter; replaces glutamine 422 with a stop codon.
Molecular consequence: nonsense. On other transcripts: non-coding transcript variant (2).
Genome position (GRCh38, 1-based): chr3:183,041,570, G>A on the plus strand (C>T on the coding strand, the complement: MCCC1 is on the minus strand). VCF-style: chr3-183041570-G-A. GRCh37 (hg19) VCF-style: chr3-182759358-G-A.
Other names: c.913C>T, p.Gln305Ter (NM_001293273.2); c.937C>T, p.Gln313Ter (NM_001363880.1); short protein forms Q313*, Q305*, Q422*.
Identifiers: ClinVar variation 1457467 (VCV001457467.6), dbSNP rs2108478837, ClinGen allele CA355322215.